The following is an entry in ClinVar:

NM_001614.5(ACTG1):c.208C>T (p.Pro70Ser)

Gene: ACTG1 (actin gamma 1; minus strand). Cytogenetic location: 17q25.3.
Variant type: single nucleotide variant.
Coding change: c.208C>T on transcript NM_001614.5 (MANE Select); coding-DNA position 208, C replaced by T.
Protein change: p.Pro70Ser; replaces proline 70 with serine.
Molecular consequence: missense variant. On other transcripts: non-coding transcript variant (1).
Genome position (GRCh38, 1-based): chr17:81,512,058, G>A on the plus strand (C>T on the coding strand, the complement: ACTG1 is on the minus strand). VCF-style: chr17-81512058-G-A. GRCh37 (hg19) VCF-style: chr17-79479084-G-A.
Other names: c.208C>T, p.Pro70Ser (NM_001199954.3); short protein forms P70S.
Identifiers: ClinVar variation 561781 (VCV000561781.6), dbSNP rs1568062708, ClinGen allele CA401463173.

ClinVar aggregate classification (germline): Uncertain significance. Review status: criteria provided, multiple submitters, no conflicts (2 of 4 stars). 3 submissions from 3 submitters: Uncertain significance (2). 1 of the submissions does not count toward it. Last evaluated 2023-01-31.

Conditions:
ACTG1-related disorder. Also called: ACTG1-related disorders; ACTG1-related condition.
Baraitser-winter syndrome 2. Identifiers: Orphanet 2995, MedGen C3281235, MONDO:0013812, OMIM 614583.
Autosomal dominant nonsyndromic hearing loss 20. Identifiers: Orphanet 90635, MedGen C1858172, MONDO:0011480, OMIM 604717.

Allele frequency attached by ClinVar (database versions not stated): gnomAD 0.00001.
gnomAD v4.1: 1 of 1,613,892 alleles (0.000062%); highest among the groups gnomAD compares: African/African-American, 0.0013%; no homozygotes.

Submissions (3):

Labcorp Genetics (formerly Invitae), Labcorp
Classification: Uncertain significance for Baraitser-winter syndrome 2; Autosomal dominant nonsyndromic hearing loss 20. Last evaluated: 2023-01-31. Review status: criteria provided, single submitter. Criteria: Invitae Variant Classification Sherloc (09022015). Collection method: clinical testing. Allele origin: germline.
Comment: Algorithms developed to predict the effect of missense changes on protein structure and function (SIFT, PolyPhen-2, Align-GVGD) all suggest that this variant is likely to be disruptive. In summary, the available evidence is currently insufficient to determine the role of this variant in disease. Therefore, it has been classified as a Variant of Uncertain Significance. ClinVar contains an entry for this variant (Variation ID: 561781). This variant has not been reported in the literature in individuals affected with ACTG1-related conditions. This variant is not present in population databases (gnomAD no frequency). This sequence change replaces proline, which is neutral and non-polar, with serine, which is neutral and polar, at codon 70 of the ACTG1 protein (p.Pro70Ser).

GeneDx
Classification: Uncertain significance. Last evaluated: 2018-04-18. Review status: criteria provided, single submitter. Criteria: GeneDx Variant Classification (06012015). Collection method: clinical testing. Allele origin: germline. Affected: yes.
Comment: The P70S variant has not been published as a pathogenic variant, nor has it been reported as a benign variant to our knowledge. The variant is not observed in large population cohorts (Lek et al., 2016). P70S is a non-conservative amino acid substitution, which is likely to impact secondary protein structure as these residues differ in polarity, charge, size and/or other properties. In-silico analyses, including protein predictors and evolutionary conservation, support a deleterious effect. In summary, based on the currently available information, it is unclear whether this variant is a pathogenic variant or a rare benign variant.

PreventionGenetics, part of Exact Sciences
Classification: Uncertain significance for ACTG1-related condition. Last evaluated: 2024-01-22. Review status: no assertion criteria provided. Collection method: clinical testing. Allele origin: germline. Not counted in ClinVar's aggregate classification.
Comment: The ACTG1 c.208C>T variant is predicted to result in the amino acid substitution p.Pro70Ser. To our knowledge, this variant has not been reported in the literature or in a large population database, indicating this variant is rare. Alternative variant at the same codon p.Pro70Leu has been reported in two unrelated individuals with ocular coloboma and at least in one case was this variant confirmed to be de novo (Figure 1, Rainger et al. 2017. PubMed ID: 28493397). At this time, the clinical significance of this variant is uncertain due to the absence of conclusive functional and genetic evidence.